The following is an entry in ClinVar:

NM_006231.4(POLE):c.5405G>A (p.Trp1802Ter)

Gene: POLE (DNA polymerase epsilon, catalytic subunit; minus strand). Cytogenetic location: 12q24.33.
Variant type: single nucleotide variant.
Coding change: c.5405G>A on transcript NM_006231.4 (MANE Select); coding-DNA position 5405, G replaced by A.
Protein change: p.Trp1802Ter; replaces tryptophan 1802 with a stop codon.
Molecular consequence: nonsense.
Genome position (GRCh38, 1-based): chr12:132,639,272, C>T on the plus strand (G>A on the coding strand, the complement: POLE is on the minus strand). VCF-style: chr12-132639272-C-T. GRCh37 (hg19) VCF-style: chr12-133215858-C-T.
Other names: short protein forms W1802*.
Identifiers: ClinVar variation 2034479 (VCV002034479.4), dbSNP rs2138511092, ClinGen allele CA387375048.

ClinVar aggregate classification (germline): Pathogenic (1 of 4 stars; one submission).

Submission:

Labcorp Genetics (formerly Invitae), Labcorp
Classification: Pathogenic. Last evaluated: 2022-10-07. Review status: criteria provided, single submitter. Criteria: Invitae Variant Classification Sherloc (09022015). Collection method: clinical testing. Allele origin: germline.
Comment: This sequence change creates a premature translational stop signal (p.Trp1802*) in the POLE gene. It is expected to result in an absent or disrupted protein product. Loss-of-function variants in POLE are known to be pathogenic (PMID: 23230001, 25948378, 30503519). This variant is not present in population databases (gnomAD no frequency). This variant has not been reported in the literature in individuals affected with POLE-related conditions. For these reasons, this variant has been classified as Pathogenic.

Literature cited by the submitters: PubMed 23230001; PubMed 25948378; PubMed 30503519.